The following is an entry in ClinVar:

NM_012387.3(PADI4):c.1224G>A (p.Gly408=)

Gene: PADI4 (peptidyl arginine deiminase 4; plus strand). Cytogenetic location: 1p36.13.
Variant type: single nucleotide variant.
Coding change: c.1224G>A on transcript NM_012387.3 (MANE Select); coding-DNA position 1224, G replaced by A.
Protein change: p.Gly408=; no amino-acid change (glycine 408 retained).
Molecular consequence: synonymous variant.
Genome position (GRCh38, 1-based): chr1:17,354,601, G>A. VCF-style: chr1-17354601-G-A. GRCh37 (hg19) VCF-style: chr1-17681096-G-A.
Identifiers: ClinVar variation 2638395 (VCV002638395.24), dbSNP rs138375185, ClinGen allele CA640835.

ClinVar aggregate classification (germline): Likely benign (1 of 4 stars; one submission).

Allele frequency attached by ClinVar (database versions not stated): 1000 Genomes Project 30x 0.00109; 1000 Genomes Project 0.00120; gnomAD 0.00142; ESP Exome Variant Server 0.00146; TOPMed 0.00151; gnomAD exomes 0.00193; ExAC 0.00229.
gnomAD v4.1: 3,151 of 1,614,158 alleles (0.2%); highest among the groups gnomAD compares: Middle Eastern, 2.1%; 21 homozygotes.

Submission:

CeGaT Center for Human Genetics Tuebingen
Classification: Likely benign. Last evaluated: 2022-05-01. Review status: criteria provided, single submitter. Criteria: CeGaT Center For Human Genetics Tuebingen Variant Classification Criteria Version 2. Collection method: clinical testing. Allele origin: germline. Affected: yes. Observed: 1 variant allele.
Comment: PADI4: BP4, BP7